The following is an entry in ClinVar:

ClinVar aggregate classification (germline): Pathogenic (1 of 4 stars; one submission).

Conditions:
CHARGE syndrome (CHARGE). Also called: Coloboma, heart anomaly, choanal atresia, retardation, genital and ear anomalies; CHARGE association; Hall-Hittner syndrome; Hittner Hirsch Kreh syndrome; CHARGE ASSOCIATION--COLOBOMA, HEART ANOMALY, CHOANAL ATRESIA, RETARDATION, GENITAL AND EAR ANOMALIES. Identifiers: Orphanet 138, MedGen C0265354, MONDO:0008965.

Submission:

Rady Children's Institute for Genomic Medicine, Rady Children's Hospital San Diego
Classification: Pathogenic for CHARGE SYNDROME. Last evaluated: 2018-01-10. Review status: criteria provided, single submitter. Criteria: ACMG Guidelines, 2015. Collection method: clinical testing. Allele origin: germline. Affected: yes. Observed: 1 variant allele.
Comment: This frameshifting variant is predicted to result in premature termination of the CHD7 protein. The are no previous reports of this variant in the literature or public databases, but loss of function variants are a well-established mechanism for disease in the CHD7 gene. Multiple pathogenic frameshift variants located downstream of the p.Arg2515GlufsTer14 variant are reported in the Human Genetic Mutation Database (HGMD). There are also no reports of the variant in the publically available population allele frequency database, gnomAD, thus the variant is presumed to be rare. Based on the combined evidence, this variant is classified as pathogenic.

NM_017780.4(CHD7):c.7540_7541dup (p.Arg2515fs)

Gene: CHD7 (chromodomain helicase DNA binding protein 7; plus strand). Cytogenetic location: 8q12.2.
Variant type: Duplication.
Coding change: c.7540_7541dup on transcript NM_017780.4 (MANE Select); coding-DNA positions 7540 to 7541, 2 bases duplicated (GG; older notation c.7540_7541dupGG).
Protein change: p.Arg2515fs; shifts the reading frame from arginine 2515.
Molecular consequence: frameshift variant. On other transcripts: intron variant (1).
Genome position (GRCh38, 1-based): chr8:60,856,820-60,856,821, GG duplicated; duplicating any 2 consecutive bases within chr8:60,856,818-60,856,821 gives the same sequence; the c. name uses the placement nearest the transcript's 3' end. VCF-style (leftmost placement, unchanged base first): chr8-60856817-C-CGG. GRCh37 (hg19) VCF-style: chr8-61769376-C-CGG.
Other names: c.1717-5409_1717-5408dup (NM_001316690.1); short protein forms R2515fs.
Identifiers: ClinVar variation 692003 (VCV000692003.1), dbSNP rs1586453824, ClinGen allele CA915945725.
Genomic context (GRCh38, chr8:60,856,817, plus strand): 5'-CCCACAAGGCATCTCCTTAATGGCTCCCTAGTGGATGGAGAGCCTCCCATGAAGAGGAGG[C>CGG]GGGGAAGGAGGAAAAATGTGGAGGGACTTGATCTGCTTTTCATGAGCCACAAACGGACGT-3'